The following is an entry in ClinVar:

ClinVar aggregate classification (germline): Uncertain significance (1 of 4 stars; one submission).

Conditions:
Mucopolysaccharidosis type 1. Also called: IDUA deficiency; MPS I; Mucopolysaccharidosis Type I. Identifiers: Orphanet 579, MedGen C0023786, MONDO:0001586.

Submission:

Labcorp Genetics (formerly Invitae), Labcorp
Classification: Uncertain significance for Mucopolysaccharidosis type 1. Last evaluated: 2022-07-30. Review status: criteria provided, single submitter. Criteria: Invitae Variant Classification Sherloc (09022015). Collection method: clinical testing. Allele origin: germline.
Comment: In summary, the available evidence is currently insufficient to determine the role of this variant in disease. Therefore, it has been classified as a Variant of Uncertain Significance. Algorithms developed to predict the effect of missense changes on protein structure and function are either unavailable or do not agree on the potential impact of this missense change (SIFT: "Tolerated"; PolyPhen-2: "Possibly Damaging"; Align-GVGD: "Class C0"). This variant has not been reported in the literature in individuals affected with IDUA-related conditions. This variant is not present in population databases (gnomAD no frequency). This sequence change replaces glutamine, which is neutral and polar, with proline, which is neutral and non-polar, at codon 60 of the IDUA protein (p.Gln60Pro).

NM_000203.5(IDUA):c.179A>C (p.Gln60Pro)

Genes: IDUA (alpha-L-iduronidase; plus strand), SLC26A1 (solute carrier family 26 member 1; minus strand). Cytogenetic location: 4p16.3.
Variant type: single nucleotide variant.
Coding change: c.179A>C on transcript NM_000203.5 (MANE Select); coding-DNA position 179, A replaced by C.
Protein change: p.Gln60Pro; replaces glutamine 60 with proline.
Molecular consequence: missense variant. On other transcripts: 3 prime UTR variant (2), non-coding transcript variant (1), intron variant (1).
Genome position (GRCh38, 1-based): chr4:987,829, A>C. VCF-style: chr4-987829-A-C. GRCh37 (hg19) VCF-style: chr4-981617-A-C.
Other names: c.*1004T>G (NM_022042.4, NM_213613.4); c.576+3299T>G (NM_134425.4); short protein forms Q60P.
Identifiers: ClinVar variation 1714580 (VCV001714580.6), dbSNP rs773238336, ClinGen allele CA355946101.